The following is an entry in ClinVar:

NM_004655.4(AXIN2):c.1812G>A (p.Gly604=)

Gene: AXIN2 (axin 2; minus strand). Cytogenetic location: 17q24.1.
Variant type: single nucleotide variant.
Coding change: c.1812G>A on transcript NM_004655.4 (MANE Select); coding-DNA position 1812, G replaced by A.
Protein change: p.Gly604=; no amino-acid change (glycine 604 retained).
Molecular consequence: synonymous variant. On other transcripts: intron variant (1).
Genome position (GRCh38, 1-based): chr17:65,536,964, C>T on the plus strand (G>A on the coding strand, the complement: AXIN2 is on the minus strand). VCF-style: chr17-65536964-C-T. GRCh37 (hg19) VCF-style: chr17-63533082-C-T.
Other names: c.1712+360G>A (NM_001363813.1); c.1812G>A (LRG_296t1).
Identifiers: ClinVar variation 464574 (VCV000464574.13), dbSNP rs1555577413, ClinGen allele CA501691095.

ClinVar aggregate classification (germline): Conflicting classifications of pathogenicity. Review status: criteria provided, conflicting classifications (1 of 4 stars). 4 submissions from 4 submitters: Uncertain significance (1); Benign (1); Likely benign (2). Last evaluated 2025-10-19.

Conditions:
Hereditary cancer-predisposing syndrome. Also called: Neoplastic Syndromes, Hereditary; Tumor predisposition; Hereditary Cancer Syndrome; Hereditary neoplastic syndrome. Identifiers: Orphanet 140162, MedGen C0027672, MeSH D009386, MONDO:0015356.
Oligodontia-cancer predisposition syndrome. Also called: TOOTH AGENESIS-COLORECTAL CANCER SYNDROME. Identifiers: Orphanet 300576, MedGen C1837750, MONDO:0012075, OMIM 608615. Disease mechanism: loss of function.

Allele frequency attached by ClinVar (database versions not stated): gnomAD exomes below 0.00001.
gnomAD v4.1: 1 of 1,613,208 alleles (0.000062%); highest among the groups gnomAD compares: Non-Finnish European, 0.000085%; no homozygotes.

Submissions (4):

Ambry Genetics
Classification: Likely benign for Hereditary cancer-predisposing syndrome. Last evaluated: 2025-10-19. Review status: criteria provided, single submitter. Criteria: Ambry Variant Classification Scheme 2023. Collection method: clinical testing. Allele origin: germline.

Quest Diagnostics Nichols Institute San Juan Capistrano
Classification: Uncertain significance. Last evaluated: 2024-10-25. Review status: criteria provided, single submitter. Criteria: Quest Diagnostics criteria. Collection method: clinical testing. Allele origin: unknown.
Comment: The AXIN2 c.1812G>A (p.Gly604=) synonymous variant has not been reported in individuals with AXIN2-related conditions in the published literature. It also has not been reported in large, multi-ethnic general populations (Genome Aggregation Database). Analysis of this variant using software algorithms for the prediction of the effect of nucleotide changes on splicing yielded predictions that this variant does not affect AXIN2 mRNA splicing. Based on the available information, we are unable to determine the clinical significance of this variant.

Myriad Genetics, Inc.
Classification: Benign for Oligodontia-cancer predisposition syndrome. Last evaluated: 2024-07-08. Review status: criteria provided, single submitter. Criteria: Myriad Autosomal Dominant, Autosomal Recessive and X-Linked Classification Criteria (2023). Collection method: clinical testing. Allele origin: unknown.
Comment: This variant is considered benign. This variant is a silent/synonymous amino acid change and it is not expected to impact splicing.

Labcorp Genetics (formerly Invitae), Labcorp
Classification: Likely benign for Oligodontia-cancer predisposition syndrome. Last evaluated: 2023-09-24. Review status: criteria provided, single submitter. Criteria: Invitae Variant Classification Sherloc (09022015). Collection method: clinical testing. Allele origin: germline.